The following is an entry in ClinVar:

NM_012123.4(MTO1):c.413del (p.Met138fs)

Gene: MTO1 (mitochondrial tRNA translation optimization 1; plus strand). Cytogenetic location: 6q13.
Variant type: Deletion.
Coding change: c.413del on transcript NM_012123.4 (MANE Select); coding-DNA position 413, one base deleted (T; older notation c.413delT).
Protein change: p.Met138fs; shifts the reading frame from methionine 138.
Molecular consequence: frameshift variant.
Genome position (GRCh38, 1-based): chr6:73,466,404, T deleted. VCF-style (leftmost placement, unchanged base first): chr6-73466403-AT-A. GRCh37 (hg19) VCF-style: chr6-74176126-AT-A.
Other names: c.413del, p.Met138fs (NM_001123226.2, NM_133645.3); short protein forms M138fs.
Identifiers: ClinVar variation 2119738 (VCV002119738.4), dbSNP rs1304100342, ClinGen allele CA568118515.
Genomic context (GRCh38, chr6:73,466,403, plus strand): 5'-AAGGGACCAGCTGTGTGGGGTCTGAGAGCTCAGATTGATAGGAAACTCTATAAACAGAAC[AT>A]GCAGGTAAGAATAGGGCATGAGCACAGGAAAGATTATAGTGATTGTTTAATTACCATGTT-3'

ClinVar aggregate classification (germline): Pathogenic (1 of 4 stars; one submission).

Conditions:
Mitochondrial hypertrophic cardiomyopathy with lactic acidosis due to MTO1 deficiency. Also called: CARDIOMYOPATHY, INFANTILE HYPERTROPHIC MITOCHONDRIAL, AND LACTIC ACIDOSIS; Combined oxidative phosphorylation deficiency 10. Identifiers: Orphanet 314637, MedGen C4749921, MONDO:0013865, OMIM 614702.

Allele frequency attached by ClinVar (database versions not stated): gnomAD exomes below 0.00001; gnomAD 0.00001; TOPMed 0.00001.

Submission:

Labcorp Genetics (formerly Invitae), Labcorp
Classification: Pathogenic for Mitochondrial hypertrophic cardiomyopathy with lactic acidosis due to MTO1 deficiency. Last evaluated: 2022-03-31. Review status: criteria provided, single submitter. Criteria: Invitae Variant Classification Sherloc (09022015). Collection method: clinical testing. Allele origin: germline.
Comment: This sequence change creates a premature translational stop signal (p.Met138Serfs*6) in the MTO1 gene. It is expected to result in an absent or disrupted protein product. Loss-of-function variants in MTO1 are known to be pathogenic (PMID: 22608499, 25058219). This variant is present in population databases (no rsID available, gnomAD 0.003%). This variant has not been reported in the literature in individuals affected with MTO1-related conditions. For these reasons, this variant has been classified as Pathogenic.

Literature cited by the submitters: PubMed 22608499; PubMed 25058219.